The following is an entry in ClinVar:

NM_018245.3(OGDHL):c.2740A>G (p.Thr914Ala)

Gene: OGDHL (oxoglutarate dehydrogenase L; minus strand). Cytogenetic location: 10q11.23.
Variant type: single nucleotide variant.
Coding change: c.2740A>G on transcript NM_018245.3 (MANE Select); coding-DNA position 2740, A replaced by G.
Protein change: p.Thr914Ala; replaces threonine 914 with alanine.
Molecular consequence: missense variant. On other transcripts: non-coding transcript variant (5).
Genome position (GRCh38, 1-based): chr10:49,736,371, T>C on the plus strand (A>G on the coding strand, the complement: OGDHL is on the minus strand). VCF-style: chr10-49736371-T-C. GRCh37 (hg19) VCF-style: chr10-50944417-T-C.
Other names: c.2569A>G, p.Thr857Ala (NM_001143996.2, NM_001347820.1); c.2113A>G, p.Thr705Ala (NM_001143997.2, NM_001347821.2, NM_001347822.1); c.2740A>G, p.Thr914Ala (NM_001347819.1); c.2560A>G, p.Thr854Ala (NM_001347823.1, NM_001347824.2); c.1933A>G, p.Thr645Ala (NM_001347825.2); c.1543A>G, p.Thr515Ala (NM_001347826.1); short protein forms T515A, T645A, T705A, T854A, T857A, T914A.
Identifiers: ClinVar variation 3340804 (VCV003340804.1).
Genomic context (GRCh38, chr10:49,736,371, plus strand): 5'-ACGTGAGCTTGCCCATCACTTGACTGTACAAGGGGTTCAGGCACACCTGCTCCAGGCGCG[T>C]GATGGCCACTTTCTCCTCCAGGTCCTGGCTGCTCCGCTCCTTCACCAGGTCATAGTACAC-3'
Protein context (NP_060715.2, residues 904-924): SQDLEEKVAI[Thr914Ala]RLEQISPFPF

ClinVar aggregate classification (germline): Uncertain significance (1 of 4 stars; one submission).

Submission:

GeneDx
Classification: Uncertain significance. Last evaluated: 2024-02-21. Review status: criteria provided, single submitter. Criteria: GeneDx Variant Classification Process June 2021. Collection method: clinical testing. Allele origin: germline. Affected: yes.
Comment: Not observed at significant frequency in large population cohorts (gnomAD); In silico analysis supports that this missense variant does not alter protein structure/function; This variant is associated with the following publications: (PMID: 38031187)